The following is an entry in ClinVar:

NM_014679.5(CEP57):c.1003C>G (p.Gln335Glu)

Gene: CEP57 (centrosomal protein 57; plus strand). Cytogenetic location: 11q21.
Variant type: single nucleotide variant.
Coding change: c.1003C>G on transcript NM_014679.5 (MANE Select); coding-DNA position 1003, C replaced by G.
Protein change: p.Gln335Glu; replaces glutamine 335 with glutamic acid.
Molecular consequence: missense variant.
Genome position (GRCh38, 1-based): chr11:95,827,903, C>G. VCF-style: chr11-95827903-C-G. GRCh37 (hg19) VCF-style: chr11-95561067-C-G.
Other names: c.976C>G, p.Gln326Glu (NM_001243776.2); c.925C>G, p.Gln309Glu (NM_001243777.2); c.922C>G, p.Gln308Glu (NM_001363604.2); short protein forms Q308E, Q335E, Q309E, Q326E.
Identifiers: ClinVar variation 1975238 (VCV001975238.5), dbSNP rs2496325739, ClinGen allele CA382408027.

ClinVar aggregate classification (germline): Uncertain significance (1 of 4 stars; one submission).

Conditions:
Mosaic variegated aneuploidy syndrome 2 (MVA2). Identifiers: Orphanet 1052, MedGen C3279843, MONDO:0013582, OMIM 614114.

Submission:

Labcorp Genetics (formerly Invitae), Labcorp
Classification: Uncertain significance for Mosaic variegated aneuploidy syndrome 2. Last evaluated: 2022-03-20. Review status: criteria provided, single submitter. Criteria: Invitae Variant Classification Sherloc (09022015). Collection method: clinical testing. Allele origin: germline.
Comment: In summary, the available evidence is currently insufficient to determine the role of this variant in disease. Therefore, it has been classified as a Variant of Uncertain Significance. Algorithms developed to predict the effect of sequence changes on RNA splicing suggest that this variant may create or strengthen a splice site. Algorithms developed to predict the effect of missense changes on protein structure and function are either unavailable or do not agree on the potential impact of this missense change (SIFT: "Tolerated"; PolyPhen-2: "Possibly Damaging"; Align-GVGD: "Class C0"). This variant has not been reported in the literature in individuals affected with CEP57-related conditions. This variant is not present in population databases (gnomAD no frequency). This sequence change replaces glutamine, which is neutral and polar, with glutamic acid, which is acidic and polar, at codon 335 of the CEP57 protein (p.Gln335Glu).